The following is an entry in ClinVar:

ClinVar aggregate classification (germline): Uncertain significance (1 of 4 stars; one submission).

Allele frequency attached by ClinVar (database versions not stated): gnomAD exomes below 0.00001.
gnomAD v4.1: 4 of 1,614,050 alleles (0.00025%); highest among the groups gnomAD compares: East Asian, 0.0022%; no homozygotes.

Submission:

Ambry Genetics
Classification: Uncertain significance. Last evaluated: 2024-03-06. Review status: criteria provided, single submitter. Criteria: Ambry Variant Classification Scheme 2023. Collection method: clinical testing. Allele origin: germline.
Comment: The p.K25R variant (also known as c.74A>G), located in coding exon 1 of the KIF1B gene, results from an A to G substitution at nucleotide position 74. The lysine at codon 25 is replaced by arginine, an amino acid with highly similar properties. This amino acid position is conserved. In addition, this alteration is predicted to be tolerated by in silico analysis. Based on the available evidence, the clinical significance of this alteration remains unclear.

NM_001365951.3(KIF1B):c.74A>G (p.Lys25Arg)

Genes: KIF1B (kinesin family member 1B; plus strand), LOC129388446 (MPRA-validated peak64 silencer; plus strand). Cytogenetic location: 1p36.22.
Variant type: single nucleotide variant.
Coding change: c.74A>G on transcript NM_001365951.3 (MANE Select); coding-DNA position 74, A replaced by G.
Protein change: p.Lys25Arg; replaces lysine 25 with arginine.
Molecular consequence: missense variant.
Genome position (GRCh38, 1-based): chr1:10,232,402, A>G. VCF-style: chr1-10232402-A-G. GRCh37 (hg19) VCF-style: chr1-10292460-A-G.
Other names: c.74A>G, p.Lys25Arg (NM_001365952.1, NM_001365953.1, NM_015074.3 and 1 more transcripts); short protein forms K25R.
Identifiers: ClinVar variation 3226559 (VCV003226559.1), dbSNP rs1371178343, ClinGen allele CA338316340.
Genomic context (GRCh38, chr1:10,232,402, plus strand): 5'-CAGTGAAGGTGGCTGTCCGGGTAAGGCCCTTCAATTCTCGAGAGACCAGCAAGGAATCCA[A>G]ATGCATCATTCAGATGCAAGGCAACTCGACCAGTGAGTACATGTTGTTTTCTCTCAGCTG-3'
Protein context (NP_001352880.1, residues 15-35): FNSRETSKES[Lys25Arg]CIIQMQGNST